The following is an entry in ClinVar:

ClinVar aggregate classification (germline): Uncertain significance (1 of 4 stars; one submission).

Allele frequency attached by ClinVar (database versions not stated): TOPMed below 0.00001.

Submission:

Labcorp Genetics (formerly Invitae), Labcorp
Classification: Uncertain significance. Last evaluated: 2021-04-23. Review status: criteria provided, single submitter. Criteria: Invitae Variant Classification Sherloc (09022015). Collection method: clinical testing. Allele origin: germline.
Comment: This variant is not present in population databases (ExAC no frequency). This sequence change replaces methionine with isoleucine at codon 2058 of the VPS13C protein (p.Met2058Ile). The methionine residue is moderately conserved and there is a small physicochemical difference between methionine and isoleucine. This variant has not been reported in the literature in individuals with VPS13C-related conditions. In summary, the available evidence is currently insufficient to determine the role of this variant in disease. Therefore, it has been classified as a Variant of Uncertain Significance. Algorithms developed to predict the effect of missense changes on protein structure and function (SIFT, PolyPhen-2, Align-GVGD) all suggest that this variant is likely to be tolerated, but these predictions have not been confirmed by published functional studies and their clinical significance is uncertain.

NM_020821.3(VPS13C):c.6174G>T (p.Met2058Ile)

Gene: VPS13C (vacuolar protein sorting 13 homolog C; minus strand). Cytogenetic location: 15q22.2.
Variant type: single nucleotide variant.
Coding change: c.6174G>T on transcript NM_020821.3 (MANE Select); coding-DNA position 6174, G replaced by T.
Protein change: p.Met2058Ile; replaces methionine 2058 with isoleucine.
Molecular consequence: missense variant.
Genome position (GRCh38, 1-based): chr15:61,929,613, C>A on the plus strand (G>T on the coding strand, the complement: VPS13C is on the minus strand). VCF-style: chr15-61929613-C-A. GRCh37 (hg19) VCF-style: chr15-62221812-C-A.
Other names: c.6174G>T, p.Met2058Ile (NM_001018088.3); c.6045G>T, p.Met2015Ile (NM_017684.5, NM_018080.4); short protein forms M2058I, M2015I.
Identifiers: ClinVar variation 1441892 (VCV001441892.8), dbSNP rs989337796, ClinGen allele CA271900427.